The following is an entry in ClinVar:

NC_000022.11:g.(?_23765824)_(23767603_?)del

Genes: C22orf15 (chromosome 22 open reading frame 15; plus strand), CHCHD10 (coiled-coil-helix-coiled-coil-helix domain containing 10; minus strand). Cytogenetic location: 22q11.23.
Variant type: Deletion.
Identifiers: ClinVar variation 831034 (VCV000831034.5).

ClinVar aggregate classification (germline): Uncertain significance (1 of 4 stars; one submission).

Conditions:
Frontotemporal dementia and/or amyotrophic lateral sclerosis 2. Also called: FTDALS2. Identifiers: Orphanet 275872, MedGen C4014648, MONDO:0014395, OMIM 615911.
Autosomal dominant mitochondrial myopathy with exercise intolerance (IMMD). Also called: Myopathy, isolated mitochondrial, autosomal dominant. Identifiers: Orphanet 457050, MedGen C4015513, MONDO:0014532, OMIM 616209.
Lower motor neuron syndrome with late-adult onset (SMAJ). Also called: Spinal muscular atrophy, Jokela type; Late-Onset Spinal Motor Neuronopathy (SMAJ). Identifiers: Orphanet 276435, MedGen C3554398, MONDO:0014025, OMIM 615048.

Submission:

Labcorp Genetics (formerly Invitae), Labcorp
Classification: Uncertain significance for Lower motor neuron syndrome with late-adult onset; Frontotemporal dementia and/or amyotrophic lateral sclerosis 2; Autosomal dominant mitochondrial myopathy with exercise intolerance. Last evaluated: 2019-03-17. Review status: criteria provided, single submitter. Criteria: Invitae Variant Classification Sherloc (09022015). Collection method: clinical testing. Allele origin: germline.
Comment: In summary, the available evidence is currently insufficient to determine the role of this variant in disease. Therefore, it has been classified as a Variant of Uncertain Significance. This variant has not been reported in the literature in individuals with CHCHD10-related conditions. This variant is a gross deletion of the genomic region encompassing exons 2-4 of the CHCHD10 gene. The 5' boundary is likely confined to intron 1. The 3' end of this event is unknown as it extends through the termination codon beyond the assayed region for this gene and may encompass additional genes. While this deletion is not anticipated to result in nonsense mediated decay, it is expected to create a truncated protein product or disrupt mRNA translation.